The following is an entry in ClinVar:

ClinVar aggregate classification (germline): Uncertain significance (1 of 4 stars; one submission).

Submission:

Labcorp Genetics (formerly Invitae), Labcorp
Classification: Uncertain significance. Last evaluated: 2025-09-16. Review status: criteria provided, single submitter. Criteria: Invitae Variant Classification Sherloc (09022015). Collection method: clinical testing. Allele origin: germline.
Comment: This sequence change replaces proline, which is neutral and non-polar, with serine, which is neutral and polar, at codon 584 of the DNM1L protein (p.Pro584Ser). This variant is not present in population databases (gnomAD no frequency). This variant has not been reported in the literature in individuals affected with DNM1L-related conditions. An algorithm developed to predict the effect of missense changes on protein structure and function (PolyPhen-2) suggests that this variant is likely to be tolerated. In summary, the available evidence is currently insufficient to determine the role of this variant in disease. Therefore, it has been classified as a Variant of Uncertain Significance.

NM_012062.5(DNM1L):c.1750C>T (p.Pro584Ser)

Gene: DNM1L (dynamin 1 like; plus strand). Cytogenetic location: 12p11.21.
Variant type: single nucleotide variant.
Coding change: c.1750C>T on transcript NM_012062.5 (MANE Select); coding-DNA position 1750, C replaced by T.
Protein change: p.Pro584Ser; replaces proline 584 with serine.
Molecular consequence: missense variant.
Genome position (GRCh38, 1-based): chr12:32,740,106, C>T. VCF-style: chr12-32740106-C-T. GRCh37 (hg19) VCF-style: chr12-32893040-C-T.
Other names: c.1717C>T, p.Pro573Ser (NM_001278463.2); c.1789C>T, p.Pro597Ser (NM_001278464.2); c.1756C>T, p.Pro586Ser (NM_001278465.2); c.1141C>T, p.Pro381Ser (NM_001278466.2); c.1678C>T, p.Pro560Ser (NM_001330380.2); c.1639C>T, p.Pro547Ser (NM_005690.5); c.1672C>T, p.Pro558Ser (NM_012063.4); short protein forms P381S, P547S, P558S, P560S, P573S, P584S, P586S, P597S.
Identifiers: ClinVar variation 4798518 (VCV004798518.1).